The following is an entry in ClinVar:

NM_006766.5(KAT6A):c.334G>A (p.Glu112Lys)

Gene: KAT6A (lysine acetyltransferase 6A; minus strand). Cytogenetic location: 8p11.21.
Variant type: single nucleotide variant.
Coding change: c.334G>A on transcript NM_006766.5 (MANE Select); coding-DNA position 334, G replaced by A.
Protein change: p.Glu112Lys; replaces glutamic acid 112 with lysine.
Molecular consequence: missense variant.
Genome position (GRCh38, 1-based): chr8:42,048,644, C>T on the plus strand (G>A on the coding strand, the complement: KAT6A is on the minus strand). VCF-style: chr8-42048644-C-T. GRCh37 (hg19) VCF-style: chr8-41906162-C-T.
Other names: c.334G>A, p.Glu112Lys (NM_001305878.2); short protein forms E112K.
Identifiers: ClinVar variation 3701033 (VCV003701033.2).

ClinVar aggregate classification (germline): Uncertain significance (1 of 4 stars; one submission).

Submission:

Labcorp Genetics (formerly Invitae), Labcorp
Classification: Uncertain significance. Last evaluated: 2024-09-30. Review status: criteria provided, single submitter. Criteria: Invitae Variant Classification Sherloc (09022015). Collection method: clinical testing. Allele origin: germline.
Comment: This sequence change replaces glutamic acid, which is acidic and polar, with lysine, which is basic and polar, at codon 112 of the KAT6A protein (p.Glu112Lys). This variant is present in population databases (no rsID available, gnomAD 0.0009%). This variant has not been reported in the literature in individuals affected with KAT6A-related conditions. Invitae Evidence Modeling of protein sequence and biophysical properties (such as structural, functional, and spatial information, amino acid conservation, physicochemical variation, residue mobility, and thermodynamic stability) indicates that this missense variant is not expected to disrupt KAT6A protein function with a negative predictive value of 80%. In summary, the available evidence is currently insufficient to determine the role of this variant in disease. Therefore, it has been classified as a Variant of Uncertain Significance.